The following is an entry in ClinVar:

NM_001164508.2(NEB):c.4111A>G (p.Lys1371Glu)

Gene: NEB (nebulin; minus strand). Cytogenetic location: 2q23.3.
Variant type: single nucleotide variant.
Coding change: c.4111A>G on transcript NM_001164508.2 (MANE Select); coding-DNA position 4111, A replaced by G.
Protein change: p.Lys1371Glu; replaces lysine 1371 with glutamic acid.
Molecular consequence: missense variant.
Genome position (GRCh38, 1-based): chr2:151,672,557, T>C on the plus strand (A>G on the coding strand, the complement: NEB is on the minus strand). VCF-style: chr2-151672557-T-C. GRCh37 (hg19) VCF-style: chr2-152529071-T-C.
Other names: c.4111A>G, p.Lys1371Glu (NM_001164507.2, NM_001271208.2, NM_004543.5); short protein forms K1371E.
Identifiers: ClinVar variation 4535647 (VCV004535647.1).
Genomic context (GRCh38, chr2:151,672,557, plus strand): 5'-TGATGCTAACCATGTCCCCAGGGGTATGGTAGCTGGTTTTGGTGTTCTCATAGTTCTTCT[T>C]GTATTCACGATCAGACTGCAGCTTTGCCACATTCATATAGTGGACCAGCTTGGGATCATC-3'
Protein context (NP_001157980.2, residues 1361-1381): VAKLQSDREY[Lys1371Glu]KNYENTKTSY

ClinVar aggregate classification (germline): Uncertain significance (1 of 4 stars; one submission).

Submission:

Women's Health and Genetics/Laboratory Corporation of America, LabCorp
Classification: Uncertain significance. Last evaluated: 2025-09-09. Review status: criteria provided, single submitter. Criteria: LabCorp Variant Classification Summary - May 2015. Collection method: clinical testing. Allele origin: germline.
Comment: Variant summary: NEB c.4111A>G (p.Lys1371Glu) results in a conservative amino acid change in the encoded protein sequence. Algorithms developed to predict the effect of missense changes on protein structure and function are either unavailable or do not agree on the potential impact of this missense change. The variant was absent in 249262 control chromosomes. The available data on variant occurrences in the general population are insufficient to allow any conclusion about variant significance. To our knowledge, no occurrence of c.4111A>G in individuals affected with NEB-related conditions and no experimental evidence demonstrating its impact on protein function have been reported. No submitters have cited clinical-significance assessments for this variant to ClinVar. Based on the evidence outlined above, the variant was classified as uncertain significance.